The following is an entry in ClinVar:

NM_006648.4(WNK2):c.47A>T (p.Glu16Val)

Gene: WNK2 (WNK lysine deficient protein kinase 2; plus strand). Cytogenetic location: 9q22.31.
Variant type: single nucleotide variant.
Coding change: c.47A>T on transcript NM_006648.4 (MANE Select); coding-DNA position 47, A replaced by T.
Protein change: p.Glu16Val; replaces glutamic acid 16 with valine.
Molecular consequence: missense variant.
Genome position (GRCh38, 1-based): chr9:93,184,976, A>T. VCF-style: chr9-93184976-A-T. GRCh37 (hg19) VCF-style: chr9-95947258-A-T.
Other names: c.47A>T, p.Glu16Val (NM_001282394.3); short protein forms E16V.
Identifiers: ClinVar variation 3816484 (VCV003816484.1).

ClinVar aggregate classification (germline): Uncertain significance (1 of 4 stars; one submission).

Submission:

Ambry Genetics
Classification: Uncertain significance. Last evaluated: 2024-12-15. Review status: criteria provided, single submitter. Criteria: Ambry Variant Classification Scheme 2023. Collection method: clinical testing. Allele origin: germline.
Comment: The p.E16V variant (also known as c.47A>T), located in coding exon 1 of the WNK2 gene, results from an A to T substitution at nucleotide position 47. The glutamic acid at codon 16 is replaced by valine, an amino acid with dissimilar properties. This amino acid position is conserved. In addition, this alteration is predicted to be tolerated by in silico analysis. Based on the available evidence, the clinical significance of this variant remains unclear.